The following is an entry in ClinVar:

ClinVar aggregate classification (germline): Likely benign. Review status: criteria provided, multiple submitters, no conflicts (2 of 4 stars). 3 submissions from 3 submitters: Likely benign (3). Last evaluated 2026-09-01.

gnomAD v4.1: 39 of 1,334,500 alleles (0.0029%); highest among the groups gnomAD compares: Admixed American, 0.0041%; no homozygotes.

Submissions (3):

CeGaT Center for Human Genetics Tuebingen
Classification: Likely benign. Last evaluated: 2026-09-01. Review status: criteria provided, single submitter. Criteria: CeGaT Center For Human Genetics Tuebingen Variant Classification Criteria Version 2. Collection method: clinical testing. Allele origin: germline. Affected: yes. Observed: 1 variant allele.
Comment: TTC19: BP4, BP7

Blueprint Genetics
Classification: Likely benign. Last evaluated: 2023-08-29. Review status: criteria provided, single submitter. Criteria: ACMG Guidelines, 2015. Collection method: clinical testing. Allele origin: germline.

Labcorp Genetics (formerly Invitae), Labcorp
Classification: Likely benign. Last evaluated: 2023-03-31. Review status: criteria provided, single submitter. Criteria: Invitae Variant Classification Sherloc (09022015). Collection method: clinical testing. Allele origin: germline.

NM_017775.4(TTC19):c.87C>G (p.Leu29=)

Genes: TTC19 (tetratricopeptide repeat domain 19; plus strand), LOC130060311 (ATAC-STARR-seq lymphoblastoid silent region 8214; plus strand). Cytogenetic location: 17p12.
Variant type: single nucleotide variant.
Coding change: c.87C>G on transcript NM_017775.4 (MANE Select); coding-DNA position 87, C replaced by G.
Protein change: p.Leu29=; no amino-acid change (leucine 29 retained).
Molecular consequence: synonymous variant. On other transcripts: 5 prime UTR variant (1).
Genome position (GRCh38, 1-based): chr17:15,999,935, C>G. VCF-style: chr17-15999935-C-G. GRCh37 (hg19) VCF-style: chr17-15903249-C-G.
Other names: c.-372C>G (NM_001271420.2).
Identifiers: ClinVar variation 2962020 (VCV002962020.5), dbSNP rs773742878, ClinGen allele CA498414348.